The following is an entry in ClinVar:

ClinVar aggregate classification (germline): Pathogenic (1 of 4 stars; one submission).

Conditions:
Fabry disease. Also called: ALPHA-GALACTOSIDASE A DEFICIENCY; ANDERSON-FABRY DISEASE; CERAMIDE TRIHEXOSIDASE DEFICIENCY; GLA DEFICIENCY; HEREDITARY DYSTOPIC LIPIDOSIS; Angiokeratoma corporis diffusum. Identifiers: Orphanet 324, MedGen C0002986, MONDO:0010526, OMIM 301500, HP:0001071. Disease mechanism: Fabry disease is due to inactivating mutations in the X-linked GLA gene resulting in deficiency of the enzyme Alpha Galactosidase-A., loss of function.

Submission:

Genomenon, Inc
Classification: Pathogenic for Fabry disease. Last evaluated: 2026-09-08. Review status: criteria provided, single submitter. Criteria: Genomenon Sequence Variant Interpretation Standards - Updated. Collection method: curation. Allele origin: germline. Affected: yes.
Comment: GLA p.Thr39ArgfsTer82 (c.114del) is a frameshift variant that is predicted to introduce a premature termination codon and result in a truncated or absent protein product. This variant has been observed in at least one proband with clinical features consistent with Fabry disease (PMID:32719972). It is absent or not present at a significant frequency in gnomAD. In conclusion, we classify GLA p.Thr39ArgfsTer82 (c.114del) as a pathogenic variant.

Literature cited by the submitters: PubMed 32719972.

NM_000169.3(GLA):c.114del (p.Thr39fs)

Genes: GLA (galactosidase alpha; minus strand), RPL36A-HNRNPH2 (RPL36A-HNRNPH2 readthrough; plus strand). Cytogenetic location: Xq22.1.
Variant type: Deletion.
Coding change: c.114del on transcript NM_000169.3 (MANE Select); coding-DNA position 114, one base deleted (G; older notation c.114delG).
Protein change: p.Thr39fs; shifts the reading frame from threonine 39.
Molecular consequence: frameshift variant. On other transcripts: non-coding transcript variant (3), intron variant (2).
Genome position (GRCh38, 1-based): chrX:101,407,790, C deleted on the plus strand (G on the coding strand, the reverse complement: GLA is on the minus strand); the first of 2 consecutive C bases (chrX:101,407,790-101,407,791); deleting either gives the same sequence. VCF-style (leftmost placement, unchanged base first): chrX-101407789-TC-T. GRCh37 (hg19) VCF-style: chrX-100662777-TC-T.
Other names: c.114del, p.Thr39fs (NM_001406747.1, NM_001406748.1, NM_001406749.1); c.301-4145del (NM_001199973.2); c.178-4145del (NM_001199974.2); short protein forms T39fs.
Identifiers: ClinVar variation 4087256 (VCV004087256.2).